The following is an entry in ClinVar:

NM_023013.4(PRAMEF1):c.847C>T (p.His283Tyr)

Gene: PRAMEF1 (PRAME family member 1; plus strand). Cytogenetic location: 1p36.21.
Variant type: single nucleotide variant.
Coding change: c.847C>T on transcript NM_023013.4 (MANE Select); coding-DNA position 847, C replaced by T.
Protein change: p.His283Tyr; replaces histidine 283 with tyrosine.
Molecular consequence: missense variant.
Genome position (GRCh38, 1-based): chr1:12,794,474, C>T. VCF-style: chr1-12794474-C-T. GRCh37 (hg19) VCF-style: chr1-12854623-C-T.
Other names: short protein forms H283Y.
Identifiers: ClinVar variation 4533942 (VCV004533942.6).

ClinVar aggregate classification (germline): Likely benign (1 of 4 stars; one submission).

Submission:

CeGaT Center for Human Genetics Tuebingen
Classification: Likely benign. Last evaluated: 2025-10-01. Review status: criteria provided, single submitter. Criteria: CeGaT Center For Human Genetics Tuebingen Variant Classification Criteria Version 2. Collection method: clinical testing. Allele origin: germline. Affected: yes. Observed: 1 variant allele.
Comment: PRAMEF1: BS2